The following is an entry in ClinVar:

NM_000207.3(INS):c.164G>A (p.Arg55His)

Genes: INS (insulin; minus strand), INS-IGF2 (INS-IGF2 readthrough; minus strand). Cytogenetic location: 11p15.5.
Variant type: single nucleotide variant.
Coding change: c.164G>A on transcript NM_000207.3 (MANE Select); coding-DNA position 164, G replaced by A.
Protein change: p.Arg55His; replaces arginine 55 with histidine.
Molecular consequence: missense variant. On other transcripts: non-coding transcript variant (1).
Genome position (GRCh38, 1-based): chr11:2,160,808, C>T on the plus strand (G>A on the coding strand, the complement: INS is on the minus strand). VCF-style: chr11-2160808-C-T. GRCh37 (hg19) VCF-style: chr11-2182038-C-T.
Other names: c.164G>A, p.Arg55His (NM_001185097.2, NM_001185098.2, NM_001291897.2 and 1 more transcripts); short protein forms R55H.
Identifiers: ClinVar variation 3603878 (VCV003603878.2).

ClinVar aggregate classification (germline): Uncertain significance (1 of 4 stars; one submission).

Submission:

Labcorp Genetics (formerly Invitae), Labcorp
Classification: Uncertain significance. Last evaluated: 2024-08-14. Review status: criteria provided, single submitter. Criteria: Invitae Variant Classification Sherloc (09022015). Collection method: clinical testing. Allele origin: germline.
Comment: This sequence change replaces arginine, which is basic and polar, with histidine, which is basic and polar, at codon 55 of the INS protein (p.Arg55His). This variant is present in population databases (no rsID available, gnomAD 0.003%). This variant has not been reported in the literature in individuals affected with INS-related conditions. An algorithm developed to predict the effect of missense changes on protein structure and function (PolyPhen-2) suggests that this variant is likely to be disruptive. This variant disrupts the p.Arg55 amino acid residue in INS. Other variant(s) that disrupt this residue have been determined to be pathogenic (PMID: 18192540, 20007936; Invitae). This suggests that this residue is clinically significant, and that variants that disrupt this residue are likely to be disease-causing. In summary, the available evidence is currently insufficient to determine the role of this variant in disease. Therefore, it has been classified as a Variant of Uncertain Significance.

Literature cited by the submitters: PubMed 18192540; PubMed 20007936.